The following is an entry in ClinVar:

NM_001130009.3(GEN1):c.1853T>C (p.Leu618Pro)

Gene: GEN1 (GEN1 Holliday junction 5' flap endonuclease; plus strand). Cytogenetic location: 2p24.2.
Variant type: single nucleotide variant.
Coding change: c.1853T>C on transcript NM_001130009.3 (MANE Select); coding-DNA position 1853, T replaced by C.
Protein change: p.Leu618Pro; replaces leucine 618 with proline.
Molecular consequence: missense variant.
Genome position (GRCh38, 1-based): chr2:17,781,065, T>C. VCF-style: chr2-17781065-T-C. GRCh37 (hg19) VCF-style: chr2-17962332-T-C.
Other names: c.1853T>C, p.Leu618Pro (NM_182625.5); short protein forms L618P.
Identifiers: ClinVar variation 4263090 (VCV004263090.1).
Genomic context (GRCh38, chr2:17,781,065, plus strand): 5'-CTCCAGCTATTCAAAGGAATACTTTTTCTCATGATTTAAAATCAGAAGTTGAATCAGAGC[T>C]ATCAGCCATCCCTGATGGCTTTGAAAATATCCCAGAACAACTGTCCTGTGAATCAGAAAG-3'
Protein context (NP_001123481.3, residues 608-628): HDLKSEVESE[Leu618Pro]SAIPDGFENI

ClinVar aggregate classification (germline): Uncertain significance (1 of 4 stars; one submission).

gnomAD v4.1: 4 of 1,613,858 alleles (0.00025%); highest among the groups gnomAD compares: South Asian, 0.0033%; no homozygotes.

Submission:

Ambry Genetics
Classification: Uncertain significance. Last evaluated: 2025-08-22. Review status: criteria provided, single submitter. Criteria: Ambry Variant Classification Scheme 2023. Collection method: clinical testing. Allele origin: germline.
Comment: The p.L618P variant (also known as c.1853T>C), located in coding exon 13 of the GEN1 gene, results from a T to C substitution at nucleotide position 1853. The leucine at codon 618 is replaced by proline, an amino acid with similar properties. This amino acid position is conserved. In addition, this alteration is predicted to be tolerated by in silico analysis. Based on the available evidence, the clinical significance of this variant remains unclear.